The following is an entry in ClinVar:

ClinVar aggregate classification (germline): Uncertain significance (1 of 4 stars; one submission).

gnomAD v4.1: 2 of 1,596,828 alleles (0.00013%); highest among the groups gnomAD compares: African/African-American, 0.0013%; no homozygotes.

Submission:

Labcorp Genetics (formerly Invitae), Labcorp
Classification: Uncertain significance. Last evaluated: 2025-08-14. Review status: criteria provided, single submitter. Criteria: Invitae Variant Classification Sherloc (09022015). Collection method: clinical testing. Allele origin: germline.
Comment: This sequence change replaces leucine, which is neutral and non-polar, with serine, which is neutral and polar, at codon 638 of the CTNNA1 protein (p.Leu638Ser). This variant is not present in population databases (gnomAD no frequency). This variant has not been reported in the literature in individuals affected with CTNNA1-related conditions. Invitae Evidence Modeling of protein sequence and biophysical properties (such as structural, functional, and spatial information, amino acid conservation, physicochemical variation, residue mobility, and thermodynamic stability) indicates that this missense variant is not expected to disrupt CTNNA1 protein function with a negative predictive value of 80%. In summary, the available evidence is currently insufficient to determine the role of this variant in disease. Therefore, it has been classified as a Variant of Uncertain Significance.

NM_001903.5(CTNNA1):c.1913T>C (p.Leu638Ser)

Gene: CTNNA1 (catenin alpha 1; plus strand). Cytogenetic location: 5q31.2.
Variant type: single nucleotide variant.
Coding change: c.1913T>C on transcript NM_001903.5 (MANE Select); coding-DNA position 1913, T replaced by C.
Protein change: p.Leu638Ser; replaces leucine 638 with serine.
Molecular consequence: missense variant.
Genome position (GRCh38, 1-based): chr5:138,929,259, T>C. VCF-style: chr5-138929259-T-C. GRCh37 (hg19) VCF-style: chr5-138264948-T-C.
Other names: c.1913T>C, p.Leu638Ser (NM_001290307.3, NM_001323982.2, NM_001323983.1 and 2 more transcripts); c.1604T>C, p.Leu535Ser (NM_001290309.3); c.1544T>C, p.Leu515Ser (NM_001290310.3); c.803T>C, p.Leu268Ser (NM_001290312.1, NM_001323987.1, NM_001323988.1 and 17 more transcripts); c.1820T>C, p.Leu607Ser (NM_001323986.2); c.464T>C, p.Leu155Ser (NM_001324006.1, NM_001324007.1, NM_001324008.1 and 2 more transcripts); c.710T>C, p.Leu237Ser (NM_001324011.1); c.560T>C, p.Leu187Ser (NM_001324012.1, NM_001324013.1); short protein forms L237S, L607S, L638S, L187S, L268S, L515S, L155S, L535S.
Identifiers: ClinVar variation 4746545 (VCV004746545.1).